The following is an entry in ClinVar:

ClinVar aggregate classification (germline): Likely pathogenic (1 of 4 stars; one submission).

Submission:

Center for Genomic Medicine, Rigshospitalet, Copenhagen University Hospital
Classification: Likely pathogenic. Last evaluated: 2025-12-29. Review status: criteria provided, single submitter. Criteria: ACMG Guidelines, 2015. Collection method: clinical testing. Allele origin: germline.
Comment: Classification criteria: PVS1_very_strong, PM2_supporting

NM_000535.7(PMS2):c.190del (p.Asp64fs)

Gene: PMS2 (PMS1 homolog 2, mismatch repair system component; minus strand). Cytogenetic location: 7p22.1.
Variant type: Deletion.
Coding change: c.190del on transcript NM_000535.7 (MANE Select); coding-DNA position 190, one base deleted (G; older notation c.190delG).
Protein change: p.Asp64fs; shifts the reading frame from aspartic acid 64.
Molecular consequence: frameshift variant. On other transcripts: 5 prime UTR variant (44), non-coding transcript variant (1), intron variant (1).
Genome position (GRCh38, 1-based): chr7:6,004,032, C deleted on the plus strand (G on the coding strand, the reverse complement: PMS2 is on the minus strand); the first of 2 consecutive C bases (chr7:6,004,032-6,004,033); deleting either gives the same sequence. VCF-style (leftmost placement, unchanged base first): chr7-6004031-TC-T. GRCh37 (hg19) VCF-style: chr7-6043662-TC-T.
Other names: c.-216del (NM_001322003.2, NM_001322004.2, NM_001322005.2 and 13 more transcripts); c.190del, p.Asp64fs (NM_001322006.2, NM_001322014.2, NM_001406868.1 and 10 more transcripts); c.-26del (NM_001322007.2, NM_001322008.2, NM_001406876.1 and 4 more transcripts); c.-695del (NM_001322011.2, NM_001322012.2); c.-295del (NM_001322015.2, NM_001406875.1, NM_001406877.1 and 3 more transcripts); c.376del, p.Asp126fs (NM_001406866.1); c.-242del (NM_001406880.1); c.-192del (NM_001406881.1, NM_001406900.1); and 3 more; short protein forms D126fs, D64fs.
Identifiers: ClinVar variation 4539223 (VCV004539223.1).
Genomic context (GRCh38, chr7:6,004,031, plus strand): 5'-CTTAAGCCTTCGAAGTTTTCTTCTTCTACCCCACATCCATTGTCTGAAACTTCAATAAGA[TC>T]CACTCCATAGTCCTTAAGCTTTAGATCTAGAAAGTTTAAAATATTTACATATTTATTAAA-3'